The following is an entry in ClinVar:

ClinVar aggregate classification (germline): Uncertain significance. Review status: criteria provided, multiple submitters, no conflicts (2 of 4 stars). 7 submissions from 5 submitters: Uncertain significance (7). Last evaluated 2025-06-09.

Conditions:
RYR1-related disorder. Also called: RYR1-related condition; RYR1-related disorders. Identifiers: MedGen CN239331.
Central core myopathy (CMYO1A). Also called: Central core disease; Myopathy, central fibrillar; CONGENITAL MYOPATHY 1A, AUTOSOMAL DOMINANT, WITH SUSCEPTIBILITY TO MALIGNANT HYPERTHERMIA. Identifiers: Orphanet 597, MedGen C5830701, MONDO:0007294, OMIM 117000.
Congenital multicore myopathy with external ophthalmoplegia (CMYO1B). Also called: MULTICORE MYOPATHY; Minicore myopathy with external ophthalmoplegia; Congenital myopathy 1B, autosomal recessive; Minicore myopathy; MULTIMINICORE DISEASE WITH EXTERNAL OPHTHALMOPLEGIA. Identifiers: Orphanet 598, Orphanet 98905, MedGen C1850674, MONDO:0009712, OMIM 255320, HP:0003789.
Malignant hyperthermia, susceptibility to, 1 (MHS1). Also called: Anesthesia related hyperthermia; Malignant hyperpyrexia; Fulminating hyperpyrexia; Pharmacogenic myopathy; RYR1-Related Malignant Hyperthermia Susceptibility; Malignant hyperthermia suceptibility 1. Identifiers: Orphanet 423, MedGen C2930980, MONDO:0007783, OMIM 145600.

Allele frequency attached by ClinVar (database versions not stated): ExAC 0.00001; gnomAD exomes 0.00002; gnomAD 0.00004; TOPMed 0.00004; ESP Exome Variant Server 0.00008.
gnomAD v4.1: 66 of 1,612,856 alleles (0.0041%); highest among the groups gnomAD compares: Non-Finnish European, 0.0052%; no homozygotes.

Submissions (7):

Color Diagnostics, LLC DBA Color Health
Classification: Uncertain significance for Malignant hyperthermia, susceptibility to, 1. Last evaluated: 2025-06-09. Review status: criteria provided, single submitter. Criteria: ACMG Guidelines, 2015. Collection method: clinical testing. Allele origin: germline.
Comment: This missense variant replaces proline with threonine at codon 1405 of the RYR1 protein. Computational prediction suggests that this variant may not impact protein structure and function. To our knowledge, functional studies have not been reported for this variant. This variant has not been reported in individuals affected with RYR1-related disorders in the literature. This variant has been identified in 8/279802 chromosomes in the general population by the Genome Aggregation Database (gnomAD). The available evidence is insufficient to determine the role of this variant in disease conclusively. Therefore, this variant is classified as a Variant of Uncertain Significance.

Labcorp Genetics (formerly Invitae), Labcorp
Classification: Uncertain significance for RYR1-related disorder. Last evaluated: 2024-11-11. Review status: criteria provided, single submitter. Criteria: Invitae Variant Classification Sherloc (09022015). Collection method: clinical testing. Allele origin: germline.
Comment: This sequence change replaces proline, which is neutral and non-polar, with threonine, which is neutral and polar, at codon 1405 of the RYR1 protein (p.Pro1405Thr). This variant is present in population databases (rs376567445, gnomAD 0.008%). This variant has not been reported in the literature in individuals affected with RYR1-related conditions. ClinVar contains an entry for this variant (Variation ID: 329020). Invitae Evidence Modeling of protein sequence and biophysical properties (such as structural, functional, and spatial information, amino acid conservation, physicochemical variation, residue mobility, and thermodynamic stability) has been performed for this missense variant. However, the output from this modeling did not meet the statistical confidence thresholds required to predict the impact of this variant on RYR1 protein function. In summary, the available evidence is currently insufficient to determine the role of this variant in disease. Therefore, it has been classified as a Variant of Uncertain Significance.

Revvity Omics, Revvity
Classification: Uncertain significance. Last evaluated: 2023-04-04. Review status: criteria provided, single submitter. Criteria: ACMG Guidelines, 2015. Collection method: clinical testing. Allele origin: germline.

GeneDx
Classification: Uncertain significance. Last evaluated: 2022-12-08. Review status: criteria provided, single submitter. Criteria: GeneDx Variant Classification Process June 2021. Collection method: clinical testing. Allele origin: germline. Affected: yes.
Comment: Not observed at significant frequency in large population cohorts (gnomAD); In silico analysis supports that this missense variant has a deleterious effect on protein structure/function; Has not been previously published as pathogenic or benign to our knowledge

Illumina Laboratory Services, Illumina
Classification: Uncertain significance for Malignant hyperthermia, susceptibility to, 1. Last evaluated: 2018-01-13. Review status: criteria provided, single submitter. Criteria: ICSL Variant Classification Criteria 13 December 2019. Collection method: clinical testing. Allele origin: germline.

Illumina Laboratory Services, Illumina
Classification: Uncertain significance for Congenital multicore myopathy with external ophthalmoplegia. Last evaluated: 2018-01-13. Review status: criteria provided, single submitter. Criteria: ICSL Variant Classification Criteria 13 December 2019. Collection method: clinical testing. Allele origin: germline.

Illumina Laboratory Services, Illumina
Classification: Uncertain significance for Central core myopathy. Last evaluated: 2018-01-13. Review status: criteria provided, single submitter. Criteria: ICSL Variant Classification Criteria 13 December 2019. Collection method: clinical testing. Allele origin: germline.

NM_000540.3(RYR1):c.4213C>A (p.Pro1405Thr)

Gene: RYR1 (ryanodine receptor 1; plus strand). Cytogenetic location: 19q13.2.
Variant type: single nucleotide variant.
Coding change: c.4213C>A on transcript NM_000540.3 (MANE Select); coding-DNA position 4213, C replaced by A.
Protein change: p.Pro1405Thr; replaces proline 1405 with threonine.
Molecular consequence: missense variant.
Genome position (GRCh38, 1-based): chr19:38,475,370, C>A. VCF-style: chr19-38475370-C-A. GRCh37 (hg19) VCF-style: chr19-38966010-C-A.
Other names: c.4213C>A, p.Pro1405Thr (NM_001042723.2); short protein forms P1405T.
Identifiers: ClinVar variation 329020 (VCV000329020.17), dbSNP rs376567445, ClinGen allele CA065666.
Genomic context (GRCh38, chr19:38,475,370, plus strand): 5'-ACTACCAGCTTCTTATTCAAGGCCAAGAAGGTCGCCATGATGACCCAGCCACCGGCCACC[C>A]CCACGCTGCCCCGACTCCCTCACGACGTGGTGCCTGCAGACAACCGCGATGACCCCGAGA-3'
Protein context (NP_000531.2, residues 1395-1415): VAMMTQPPAT[Pro1405Thr]TLPRLPHDVV